The following is an entry in ClinVar:

ClinVar aggregate classification (germline): Benign/Likely benign. Review status: criteria provided, multiple submitters, no conflicts (2 of 4 stars). 3 submissions from 3 submitters: Benign (2); Likely benign (1). Last evaluated 2025-07-17.

Allele frequency attached by ClinVar (database versions not stated): 1000 Genomes Project 30x 0.00078; 1000 Genomes Project 0.00080; TOPMed 0.00260; ESP Exome Variant Server 0.00300; ExAC 0.00456; gnomAD 0.00464 and 0.00487; gnomAD exomes 0.00479 and 0.00489.
gnomAD v4.1: 7,602 of 1,612,576 alleles (0.47%); highest among the groups gnomAD compares: Non-Finnish European, 0.48%; 38 homozygotes.

Submissions (3):

ARUP Laboratories, Molecular Genetics and Genomics, ARUP Laboratories
Classification: Benign. Last evaluated: 2025-07-17. Review status: criteria provided, single submitter. Criteria: ARUP Molecular Germline Variant Investigation Process 2024. Collection method: clinical testing. Allele origin: germline.

Blueprint Genetics
Classification: Likely benign. Last evaluated: 2024-11-26. Review status: criteria provided, single submitter. Criteria: ACMG Guidelines, 2015. Collection method: clinical testing. Allele origin: germline.

GeneDx
Classification: Benign. Last evaluated: 2012-05-01. Review status: criteria provided, single submitter. Criteria: GeneDx Variant Classification (06012015). Collection method: clinical testing. Allele origin: germline. Affected: yes.
Comment: This variant is considered likely benign or benign based on one or more of the following criteria: it is a conservative change, it occurs at a poorly conserved position in the protein, it is predicted to be benign by multiple in silico algorithms, and/or has population frequency not consistent with disease.

NM_001330078.2(NRXN1):c.3365-109709A>G

Gene: NRXN1 (neurexin 1; minus strand). Cytogenetic location: 2p16.3.
Variant type: single nucleotide variant.
Coding change: c.3365-109709A>G on transcript NM_001330078.2 (MANE Select); 109709 bases into the intron before coding-DNA position 3365, A replaced by G.
Molecular consequence: intron variant.
Genome position (GRCh38, 1-based): chr2:50,346,679, T>C on the plus strand (A>G on the coding strand, the complement: NRXN1 is on the minus strand). VCF-style: chr2-50346679-T-C. GRCh37 (hg19) VCF-style: chr2-50573817-T-C.
Other names: c.3254-109709A>G (NM_001330096.2, NM_001330087.2); c.3299-109709A>G (NM_001330083.2, NM_001330084.2); c.3284-109709A>G (NM_001330088.2); c.3362-109709A>G (NM_001330093.2); c.3353-109709A>G (NM_001330094.2); c.3314-109709A>G (NM_001330095.2); c.3341-109709A>G (NM_001330082.2, NM_001330077.2); c.3338-109709A>G (NM_001330085.2); and 3 more.
Identifiers: ClinVar variation 138562 (VCV000138562.3), dbSNP rs13023114, ClinGen allele CA292611.